The following is an entry in ClinVar:

ClinVar aggregate classification (germline): Pathogenic (1 of 4 stars; one submission).

Conditions:
Hermansky-Pudlak syndrome 3 (HPS3). Identifiers: Orphanet 231512, Orphanet 79430, MedGen C3888001, MONDO:0013555, OMIM 614072.

Submission:

Myriad Genetics, Inc.
Classification: Pathogenic for Hermansky-Pudlak syndrome 3. Last evaluated: 2024-05-14. Review status: criteria provided, single submitter. Criteria: Myriad Autosomal Dominant, Autosomal Recessive and X-Linked Classification Criteria (2023). Collection method: clinical testing. Allele origin: unknown.
Comment: NM_032383.3(HPS3):c.2418_2419ins11(I807Dfs*25) is expected to be pathogenic in the context of Hermansky-Pudlak syndrome, HPS3-related. This variant is predicted to lead to an abnormal or absent protein product due to the creation of a premature termination codon in HPS3, a gene where loss-of-function variants are known to be pathogenic. Please note: this variant was assessed in the context of healthy population screening.

NM_032383.5(HPS3):c.2418_2419insGACGATCACAG (p.Ile807fs)

Genes: CP (ceruloplasmin; minus strand), HPS3 (HPS3 biogenesis of lysosomal organelles complex 2 subunit 1; plus strand). Cytogenetic location: 3q24.
Variant type: Insertion.
Coding change: c.2418_2419insGACGATCACAG on transcript NM_032383.5 (MANE Select); coding-DNA positions 2418 to 2419, GACGATCACAG inserted.
Protein change: p.Ile807fs; shifts the reading frame from isoleucine 807.
Molecular consequence: frameshift variant. On other transcripts: non-coding transcript variant (1).
Genome position: GRCh38 VCF-style: chr3-149162815-C-CGACGATCACAG. GRCh37 (hg19) VCF-style: chr3-148880602-C-CGACGATCACAG.
Other names: c.1923_1924insGACGATCACAG, p.Ile642fs (NM_001308258.2); short protein forms I642fs, I807fs.
Identifiers: ClinVar variation 5010574 (VCV005010574.1).